The following is an entry in ClinVar:

ClinVar aggregate classification (germline): Uncertain significance (1 of 4 stars; one submission).

Allele frequency attached by ClinVar (database versions not stated): gnomAD exomes below 0.00001; gnomAD 0.00001; TOPMed 0.00001.
gnomAD v4.1: 2 of 1,613,936 alleles (0.00012%); highest among the groups gnomAD compares: Admixed American, 0.0017%; no homozygotes.

Submission:

Labcorp Genetics (formerly Invitae), Labcorp
Classification: Uncertain significance. Last evaluated: 2022-09-01. Review status: criteria provided, single submitter. Criteria: Invitae Variant Classification Sherloc (09022015). Collection method: clinical testing. Allele origin: germline.
Comment: This variant is not present in population databases (gnomAD no frequency). This variant has not been reported in the literature in individuals affected with TELO2-related conditions. Algorithms developed to predict the effect of missense changes on protein structure and function are either unavailable or do not agree on the potential impact of this missense change (SIFT: "Deleterious"; PolyPhen-2: "Benign"; Align-GVGD: "Class C0"). In summary, the available evidence is currently insufficient to determine the role of this variant in disease. Therefore, it has been classified as a Variant of Uncertain Significance. This sequence change replaces serine, which is neutral and polar, with phenylalanine, which is neutral and non-polar, at codon 209 of the TELO2 protein (p.Ser209Phe).

NM_016111.4(TELO2):c.626C>T (p.Ser209Phe)

Gene: TELO2 (telomere maintenance 2; plus strand). Cytogenetic location: 16p13.3.
Variant type: single nucleotide variant.
Coding change: c.626C>T on transcript NM_016111.4 (MANE Select); coding-DNA position 626, C replaced by T.
Protein change: p.Ser209Phe; replaces serine 209 with phenylalanine.
Molecular consequence: missense variant.
Genome position (GRCh38, 1-based): chr16:1,497,048, C>T. VCF-style: chr16-1497048-C-T. GRCh37 (hg19) VCF-style: chr16-1547049-C-T.
Other names: c.626C>T, p.Ser209Phe (NM_001351846.2); short protein forms S209F.
Identifiers: ClinVar variation 2150426 (VCV002150426.4), dbSNP rs1455239037, ClinGen allele CA394207896.